The following is an entry in ClinVar:

ClinVar aggregate classification (germline): Uncertain significance (1 of 4 stars; one submission).

Allele frequency attached by ClinVar (database versions not stated): gnomAD exomes below 0.00001.
gnomAD v4.1: 3 of 1,613,900 alleles (0.00019%); highest among the groups gnomAD compares: Admixed American, 0.0017%; no homozygotes.

Submission:

Labcorp Genetics (formerly Invitae), Labcorp
Classification: Uncertain significance. Last evaluated: 2022-11-15. Review status: criteria provided, single submitter. Criteria: Invitae Variant Classification Sherloc (09022015). Collection method: clinical testing. Allele origin: germline.
Comment: In summary, the available evidence is currently insufficient to determine the role of this variant in disease. Therefore, it has been classified as a Variant of Uncertain Significance. Algorithms developed to predict the effect of missense changes on protein structure and function (SIFT, PolyPhen-2, Align-GVGD) all suggest that this variant is likely to be tolerated. This variant has not been reported in the literature in individuals affected with MYO1E-related conditions. This variant is present in population databases (no rsID available, gnomAD 0.003%). This sequence change replaces valine, which is neutral and non-polar, with alanine, which is neutral and non-polar, at codon 293 of the MYO1E protein (p.Val293Ala).

NM_004998.4(MYO1E):c.878T>C (p.Val293Ala)

Gene: MYO1E (myosin IE; minus strand). Cytogenetic location: 15q22.2.
Variant type: single nucleotide variant.
Coding change: c.878T>C on transcript NM_004998.4 (MANE Select); coding-DNA position 878, T replaced by C.
Protein change: p.Val293Ala; replaces valine 293 with alanine.
Molecular consequence: missense variant.
Genome position (GRCh38, 1-based): chr15:59,223,091, A>G on the plus strand (T>C on the coding strand, the complement: MYO1E is on the minus strand). VCF-style: chr15-59223091-A-G. GRCh37 (hg19) VCF-style: chr15-59515290-A-G.
Other names: short protein forms V293A.
Identifiers: ClinVar variation 2079229 (VCV002079229.4), dbSNP rs1452804764, ClinGen allele CA392642093.